The following is an entry in ClinVar:

ClinVar aggregate classification (germline): Pathogenic/Likely pathogenic. Review status: criteria provided, multiple submitters, no conflicts (2 of 4 stars). 2 submissions from 2 submitters: Pathogenic (1); Likely pathogenic (1). Last evaluated 2021-11-11.

Conditions:
Primary ciliary dyskinesia. Also called: Ciliary dyskinesia. Identifiers: Orphanet 244, MedGen C0008780, MONDO:0016575, HP:0012265.
Primary ciliary dyskinesia 2. Also called: CILIARY DYSKINESIA, PRIMARY, 2, WITH OR WITHOUT SITUS INVERSUS. Identifiers: Orphanet 244, MedGen C1847554, MONDO:0011718, OMIM 606763.

Submissions (2):

Women's Health and Genetics/Laboratory Corporation of America, LabCorp
Classification: Likely pathogenic for Primary ciliary dyskinesia 2. Last evaluated: 2021-11-11. Review status: criteria provided, single submitter. Criteria: LabCorp Variant Classification Summary - May 2015. Collection method: clinical testing. Allele origin: germline.
Comment: Variant summary: C19orf51 (DNAAF3) c.752_762dup11 (p.Ser255ArgfsX4) results in a premature termination codon, predicted to cause a truncation of the encoded protein or absence of the protein due to nonsense mediated decay, which are commonly known mechanisms for disease. Truncations downstream of this position have been cited in ClinVar and HGMD as pathogenic and disease-associated. The variant was absent in 131332 control chromosomes (gnomAD). To our knowledge, no occurrence of c.752_762dup11 in individuals affected with Ciliary Dyskinesia, Primary, 2 and no experimental evidence demonstrating its impact on protein function have been reported. No clinical diagnostic laboratories have submitted clinical-significance assessments for this variant to ClinVar after 2014. Based on the evidence outlined above, the variant was classified as likely pathogenic.

Ambry Genetics
Classification: Pathogenic for Primary ciliary dyskinesia. Last evaluated: 2018-07-12. Review status: criteria provided, single submitter. Criteria: Ambry Variant Classification Scheme 2023. Collection method: clinical testing. Allele origin: germline.
Comment: The c.752_762dup11 variant, located in coding exon 6 of the DNAAF3 gene, results from a duplication of CGTTCCCCATG at nucleotide position 752, causing a translational frameshift with a predicted alternate stop codon (p.S255Rfs*4). This alteration is expected to result in loss of function by premature protein truncation or nonsense-mediated mRNA decay. As such, this alteration is interpreted as a disease-causing mutation.

NM_001256715.2(DNAAF3):c.548_558dup (p.Ser187delinsArgSerProTer)

Genes: DNAAF3 (dynein axonemal assembly factor 3; minus strand), DNAAF3-AS1 (DNAAF3 antisense RNA 1; plus strand). Cytogenetic location: 19q13.42.
Variant type: Duplication.
Coding change: c.548_558dup on transcript NM_001256715.2 (MANE Select); coding-DNA positions 548 to 558, 11 bases duplicated (CGTTCCCCATG).
Protein change: p.Ser187delinsArgSerProTer.
Molecular consequence: nonsense.
Genome position (GRCh38, 1-based): chr19:55,161,748-55,161,758, CATGGGGAACG duplicated on the plus strand (CGTTCCCCATG on the coding strand, the reverse complement: DNAAF3 is on the minus strand); duplicating any 11 consecutive bases within chr19:55,161,748-55,161,759 gives the same sequence; the c. name uses the placement nearest the transcript's 3' end. VCF-style (leftmost placement, unchanged base first): chr19-55161747-T-TCATGGGGAACG. GRCh37 (hg19) VCF-style: chr19-55673115-T-TCATGGGGAACG.
Other names: c.752_762dup, p.Ser255delinsArgSerProTer (NM_001256714.1); c.386_396dup, p.Ser133delinsArgSerProTer (NM_001256716.2); c.689_699dup, p.Ser234delinsArgSerProTer (NM_178837.4); c.752_762dupCGTTCCCCATG (NM_001256714.1); c.752_762dup11 (NM_001256714.1).
Identifiers: ClinVar variation 1331503 (VCV001331503.3), dbSNP rs2147297973, ClinGen allele CA2573054832.